The following is an entry in ClinVar:

NM_001127178.3(PIGG):c.2348_2350dup (p.Ile783_Ala784insVal)

Gene: PIGG (phosphatidylinositol glycan anchor biosynthesis class G (EMM blood group); plus strand). Cytogenetic location: 4p16.3.
Variant type: Duplication.
Coding change: c.2348_2350dup on transcript NM_001127178.3 (MANE Select); coding-DNA positions 2348 to 2350, 3 bases duplicated (TTG; older notation c.2348_2350dupTTG).
Protein change: p.Ile783_Ala784insVal.
Molecular consequence: inframe insertion. On other transcripts: non-coding transcript variant (6).
Genome position (GRCh38, 1-based): chr4:530,522-530,524, TTG duplicated. VCF-style (leftmost placement, unchanged base first): chr4-530521-A-ATTG. GRCh37 (hg19) VCF-style: chr4-524310-A-ATTG.
Other names: c.2081_2083dup, p.Ile694_Ala695insVal (NM_001289051.2, NM_001345986.2); c.1949_1951dup, p.Ile650_Ala651insVal (NM_001289052.2); c.2057_2059dup, p.Ile686_Ala687insVal (NM_001345987.2); c.1319_1321dup, p.Ile440_Ala441insVal (NM_001345988.2); c.815_817dup, p.Ile272_Ala273insVal (NM_001345990.2, NM_001345991.2); c.1250_1252dup, p.Ile417_Ala418insVal (NM_001345994.2); c.2324_2326dup, p.Ile775_Ala776insVal (NM_017733.5).
Identifiers: ClinVar variation 1957910 (VCV001957910.5), dbSNP rs2475051088, ClinGen allele CA2580070640.

ClinVar aggregate classification (germline): Uncertain significance (1 of 4 stars; one submission).

Conditions:
Intellectual disability, autosomal recessive 53 (NEDHSCA). Also called: GLYCOSYLPHOSPHATIDYLINOSITOL BIOSYNTHESIS DEFECT 13; Mental retardation, autosomal recessive 53; NEURODEVELOPMENTAL DISORDER WITH OR WITHOUT HYPOTONIA, SEIZURES, AND CEREBELLAR ATROPHY. Identifiers: Orphanet 488635, MedGen C4310794, MONDO:0014832, OMIM 616917.

Allele frequency attached by ClinVar (database versions not stated): gnomAD exomes below 0.00001.

Submission:

Labcorp Genetics (formerly Invitae), Labcorp
Classification: Uncertain significance for Intellectual disability, autosomal recessive 53. Last evaluated: 2022-04-08. Review status: criteria provided, single submitter. Criteria: Invitae Variant Classification Sherloc (09022015). Collection method: clinical testing. Allele origin: germline.
Comment: This variant, c.2348_2350dup, results in the insertion of 1 amino acid(s) of the PIGG protein (p.Ile783_Ala784insVal), but otherwise preserves the integrity of the reading frame. This variant is not present in population databases (gnomAD no frequency). This variant has not been reported in the literature in individuals affected with PIGG-related conditions. In summary, the available evidence is currently insufficient to determine the role of this variant in disease. Therefore, it has been classified as a Variant of Uncertain Significance.